The following is an entry in ClinVar:

NM_001903.5(CTNNA1):c.859-8C>T

Gene: CTNNA1 (catenin alpha 1; plus strand). Cytogenetic location: 5q31.2.
Variant type: single nucleotide variant.
Coding change: c.859-8C>T on transcript NM_001903.5 (MANE Select); 8 bases into the intron before coding-DNA position 859, C replaced by T.
Molecular consequence: intron variant.
Genome position (GRCh38, 1-based): chr5:138,827,507, C>T. VCF-style: chr5-138827507-C-T. GRCh37 (hg19) VCF-style: chr5-138163196-C-T.
Other names: c.859-8C>T (NM_001323982.2, NM_001323984.2, NM_001290307.3 and 3 more transcripts); c.490-8C>T (NM_001290310.3); c.550-8C>T (NM_001290309.3).
Identifiers: ClinVar variation 2739529 (VCV002739529.4), dbSNP rs752030538, ClinGen allele CA804577032.

ClinVar aggregate classification (germline): Likely benign. Review status: criteria provided, multiple submitters, no conflicts (2 of 4 stars). 2 submissions from 2 submitters: Likely benign (2). Last evaluated 2025-12-09.

Conditions:
Hereditary diffuse gastric adenocarcinoma (HDGC). Also called: DIFFUSE GASTRIC AND LOBULAR BREAST CANCER SYNDROME. Identifiers: Orphanet 26106, MedGen C1708349, MONDO:0007648, OMIM 137215.

Allele frequency attached by ClinVar (database versions not stated): TOPMed below 0.00001.
gnomAD v4.1: 1 of 1,613,976 alleles (0.000062%); highest among the groups gnomAD compares: Non-Finnish European, 0.000085%; no homozygotes.

Submissions (2):

Labcorp Genetics (formerly Invitae), Labcorp
Classification: Likely benign. Last evaluated: 2025-12-09. Review status: criteria provided, single submitter. Criteria: Invitae Variant Classification Sherloc (09022015). Collection method: clinical testing. Allele origin: germline.

Myriad Genetics, Inc.
Classification: Likely benign for Hereditary diffuse gastric adenocarcinoma. Last evaluated: 2024-10-10. Review status: criteria provided, single submitter. Criteria: Myriad Autosomal Dominant, Autosomal Recessive and X-Linked Classification Criteria (2023). Collection method: clinical testing. Allele origin: unknown.
Comment: This variant is considered likely benign. This variant is intronic and is not expected to impact mRNA splicing.